The following is an entry in ClinVar:

NM_001042492.3(NF1):c.5960del (p.Gln1987fs)

Gene: NF1 (neurofibromin 1; plus strand). Cytogenetic location: 17q11.2.
Variant type: Deletion.
Coding change: c.5960del on transcript NM_001042492.3 (MANE Select); coding-DNA position 5960, one base deleted (A; older notation c.5960delA).
Protein change: p.Gln1987fs; shifts the reading frame from glutamine 1987.
Molecular consequence: frameshift variant.
Genome position (GRCh38, 1-based): chr17:31,334,985, A deleted. VCF-style (leftmost placement, unchanged base first): chr17-31334984-CA-C. GRCh37 (hg19) VCF-style: chr17-29662002-CA-C.
Other names: c.5897del, p.Gln1966fs (NM_000267.4); short protein forms Q1966fs, Q1987fs.
Identifiers: ClinVar variation 4615757 (VCV004615757.1).

ClinVar aggregate classification (germline): Pathogenic (1 of 4 stars; one submission).

Conditions:
Cardiovascular phenotype. Identifiers: MedGen CN230736.
Hereditary cancer-predisposing syndrome. Also called: Neoplastic Syndromes, Hereditary; Tumor predisposition; Hereditary Cancer Syndrome; Hereditary neoplastic syndrome. Identifiers: Orphanet 140162, MedGen C0027672, MeSH D009386, MONDO:0015356.

Submission:

Ambry Genetics
Classification: Pathogenic for Cardiovascular phenotype; Hereditary cancer-predisposing syndrome. Last evaluated: 2025-10-15. Review status: criteria provided, single submitter. Criteria: Ambry Variant Classification Scheme 2023. Collection method: clinical testing. Allele origin: germline.
Comment: The c.5897delA pathogenic mutation, located in coding exon 39 of the NF1 gene, results from a deletion of one nucleotide at nucleotide position 5897, causing a translational frameshift with a predicted alternate stop codon (p.Q1966Rfs*25). This variant is considered to be rare based on population cohorts in the Genome Aggregation Database (gnomAD). This alteration is expected to result in loss of function by premature protein truncation or nonsense-mediated mRNA decay. As such, this alteration is interpreted as a disease-causing mutation.